The following is an entry in ClinVar:

NM_030957.4(ADAMTS10):c.721G>A (p.Val241Met)

Gene: ADAMTS10 (ADAM metallopeptidase with thrombospondin type 1 motif 10; minus strand). Cytogenetic location: 19p13.2.
Variant type: single nucleotide variant.
Coding change: c.721G>A on transcript NM_030957.4 (MANE Select); coding-DNA position 721, G replaced by A.
Protein change: p.Val241Met; replaces valine 241 with methionine.
Molecular consequence: missense variant.
Genome position (GRCh38, 1-based): chr19:8,601,017, C>T on the plus strand (G>A on the coding strand, the complement: ADAMTS10 is on the minus strand). VCF-style: chr19-8601017-C-T. GRCh37 (hg19) VCF-style: chr19-8665901-C-T.
Other names: short protein forms V241M.
Identifiers: ClinVar variation 1930782 (VCV001930782.4), dbSNP rs550907057, ClinGen allele CA9160744.

ClinVar aggregate classification (germline): Uncertain significance (1 of 4 stars; one submission).

Allele frequency attached by ClinVar (database versions not stated): TOPMed below 0.00001; ExAC 0.00001; gnomAD 0.00001; gnomAD exomes 0.00001; 1000 Genomes Project 30x 0.00016; 1000 Genomes Project 0.00020.

Submission:

Labcorp Genetics (formerly Invitae), Labcorp
Classification: Uncertain significance. Last evaluated: 2025-01-01. Review status: criteria provided, single submitter. Criteria: Invitae Variant Classification Sherloc (09022015). Collection method: clinical testing. Allele origin: germline.
Comment: This sequence change replaces valine, which is neutral and non-polar, with methionine, which is neutral and non-polar, at codon 241 of the ADAMTS10 protein (p.Val241Met). This variant is present in population databases (rs550907057, gnomAD 0.003%). This variant has not been reported in the literature in individuals affected with ADAMTS10-related conditions. ClinVar contains an entry for this variant (Variation ID: 1930782). An algorithm developed to predict the effect of missense changes on protein structure and function (PolyPhen-2) suggests that this variant is likely to be disruptive. In summary, the available evidence is currently insufficient to determine the role of this variant in disease. Therefore, it has been classified as a Variant of Uncertain Significance.